The following is an entry in ClinVar:

NM_000188.3(HK1):c.1246C>T (p.Leu416Phe)

Gene: HK1 (hexokinase 1; plus strand). Cytogenetic location: 10q22.1.
Variant type: single nucleotide variant.
Coding change: c.1246C>T on transcript NM_000188.3 (MANE Select); coding-DNA position 1246, C replaced by T.
Protein change: p.Leu416Phe; replaces leucine 416 with phenylalanine.
Molecular consequence: missense variant.
Genome position (GRCh38, 1-based): chr10:69,380,076, C>T. VCF-style: chr10-69380076-C-T. GRCh37 (hg19) VCF-style: chr10-71139832-C-T.
Other names: c.1258C>T, p.Leu420Phe (NM_001322364.2, NM_001358263.1, NM_033497.3 and 1 more transcripts); c.1351C>T, p.Leu451Phe (NM_001322365.2); c.1162C>T, p.Leu388Phe (NM_001322366.1); c.1150C>T, p.Leu384Phe (NM_001322367.1); c.1243C>T, p.Leu415Phe (NM_033496.3); c.1210C>T, p.Leu404Phe (NM_033500.2); short protein forms L384F, L388F, L404F, L415F, L416F, L420F, L451F.
Identifiers: ClinVar variation 3906102 (VCV003906102.10).
Genomic context (GRCh38, chr10:69,380,076, plus strand): 5'-CGCCTGCGTGATAACAAGGGCACACCCAGGCTGCGGACCACGGTTGGTGTCGACGGATCT[C>T]TTTACAAGACGCACCCACAGTGAGTCTGCCCTTTGCTATCATTGGCACTCTGTACCCATT-3'
Protein context (NP_000179.2, residues 406-426): LRTTVGVDGS[Leu416Phe]YKTHPQYSRR

ClinVar aggregate classification (germline): Uncertain significance (1 of 4 stars; one submission).

gnomAD v4.1: 1 of 1,613,856 alleles (0.000062%); highest among the groups gnomAD compares: Middle Eastern, 0.016%; no homozygotes.

Submission:

CeGaT Center for Human Genetics Tuebingen
Classification: Uncertain significance. Last evaluated: 2025-06-01. Review status: criteria provided, single submitter. Criteria: CeGaT Center For Human Genetics Tuebingen Variant Classification Criteria Version 2. Collection method: clinical testing. Allele origin: germline. Affected: yes. Observed: 1 variant allele.
Comment: HK1: PM2:Supporting